The following is an entry in ClinVar:

ClinVar aggregate classification (germline): Uncertain significance (1 of 4 stars; one submission).

Conditions:
Familial renal glucosuria (GLYS). Also called: RENAL GLUCOSURIA, AUTOSOMAL DOMINANT; Familial renal glycosuria. Identifiers: Orphanet 69076, MedGen C3245525, MONDO:0009297, OMIM 233100.

gnomAD v4.1: 1 of 1,613,936 alleles (0.000062%); no homozygotes.

Submission:

MVZ Medizinische Genetik Mainz
Classification: Uncertain significance for Familial renal glucosuria. Last evaluated: 2026-08-07. Review status: criteria provided, single submitter. Criteria: UK Practice Guidelines For Variant Classification V4 01 2020. Collection method: clinical testing. Allele origin: germline. Inheritance: Autosomal recessive inheritance. Affected: yes. Observed: 1 variant allele.
Comment: ACMG Criteria: PM2_SUP,PP4

NM_003041.4(SLC5A2):c.707C>T (p.Ala236Val)

Gene: SLC5A2 (solute carrier family 5 member 2; plus strand). Cytogenetic location: 16p11.2.
Variant type: single nucleotide variant.
Coding change: c.707C>T on transcript NM_003041.4 (MANE Select); coding-DNA position 707, C replaced by T.
Protein change: p.Ala236Val; replaces alanine 236 with valine.
Molecular consequence: missense variant. On other transcripts: non-coding transcript variant (1).
Genome position (GRCh38, 1-based): chr16:31,487,581, C>T. VCF-style: chr16-31487581-C-T. GRCh37 (hg19) VCF-style: chr16-31498902-C-T.
Other names: short protein forms A236V.
Identifiers: ClinVar variation 4887043 (VCV004887043.1).
Genomic context (GRCh38, chr16:31,487,581, plus strand): 5'-GCCCGGCAGCCTTCCACGAGGTGGGCGGGTATTCGGGTCTCTTCGACAAATACCTGGGAG[C>T]AGCGACTTCGCTGACGGTGTCCGAGGATCCAGCCGTGGGAAACATCTCCAGCTTCTGCTA-3'
Protein context (NP_003032.1, residues 226-246): YSGLFDKYLG[Ala236Val]ATSLTVSEDP